The following is an entry in ClinVar:

NM_000553.6(WRN):c.469A>G (p.Asn157Asp)

Gene: WRN (WRN RecQ like helicase; plus strand). Cytogenetic location: 8p12.
Variant type: single nucleotide variant.
Coding change: c.469A>G on transcript NM_000553.6 (MANE Select); coding-DNA position 469, A replaced by G.
Protein change: p.Asn157Asp; replaces asparagine 157 with aspartic acid.
Molecular consequence: missense variant.
Genome position (GRCh38, 1-based): chr8:31,065,028, A>G. VCF-style: chr8-31065028-A-G. GRCh37 (hg19) VCF-style: chr8-30922544-A-G.
Other names: short protein forms N157D.
Identifiers: ClinVar variation 1426268 (VCV001426268.8), dbSNP rs2130037190, ClinGen allele CA370914977.

ClinVar aggregate classification (germline): Uncertain significance (1 of 4 stars; one submission).

Conditions:
Werner syndrome (WRN). Identifiers: Orphanet 902, MedGen C0043119, MONDO:0010196, OMIM 277700.

Submission:

Labcorp Genetics (formerly Invitae), Labcorp
Classification: Uncertain significance for Werner syndrome. Last evaluated: 2021-07-07. Review status: criteria provided, single submitter. Criteria: Invitae Variant Classification Sherloc (09022015). Collection method: clinical testing. Allele origin: germline.
Comment: This sequence change replaces asparagine with aspartic acid at codon 157 of the WRN protein (p.Asn157Asp). The asparagine residue is weakly conserved and there is a small physicochemical difference between asparagine and aspartic acid. This variant is not present in population databases (ExAC no frequency). This variant has not been reported in the literature in individuals affected with WRN-related conditions. Algorithms developed to predict the effect of missense changes on protein structure and function are either unavailable or do not agree on the potential impact of this missense change (SIFT: "Not Available"; PolyPhen-2: "Benign"; Align-GVGD: "Not Available"). In summary, the available evidence is currently insufficient to determine the role of this variant in disease. Therefore, it has been classified as a Variant of Uncertain Significance.